The following is an entry in ClinVar:

NM_022166.4(XYLT1):c.2306T>C (p.Met769Thr)

Gene: XYLT1 (xylosyltransferase 1; minus strand). Cytogenetic location: 16p12.3.
Variant type: single nucleotide variant.
Coding change: c.2306T>C on transcript NM_022166.4 (MANE Select); coding-DNA position 2306, T replaced by C.
Protein change: p.Met769Thr; replaces methionine 769 with threonine.
Molecular consequence: missense variant.
Genome position (GRCh38, 1-based): chr16:17,117,897, A>G on the plus strand (T>C on the coding strand, the complement: XYLT1 is on the minus strand). VCF-style: chr16-17117897-A-G. GRCh37 (hg19) VCF-style: chr16-17211754-A-G.
Other names: short protein forms M769T.
Identifiers: ClinVar variation 1003187 (VCV001003187.8), dbSNP rs2029899993, ClinGen allele CA395218681.

ClinVar aggregate classification (germline): Uncertain significance (1 of 4 stars; one submission).

Conditions:
Desbuquois dysplasia 1 (DBQD1). Also called: MICROMELIC DWARFISM WITH VERTEBRAL AND METAPHYSEAL ABNORMALITIES AND ADVANCED CARPOTARSAL OSSIFICATION; DESBUQUOIS DYSPLASIA 1, KIM VARIANT. Identifiers: Orphanet 1425, MedGen C4012146, MONDO:0009629, OMIM 251450.

Submission:

Labcorp Genetics (formerly Invitae), Labcorp
Classification: Uncertain significance for Desbuquois dysplasia 1. Last evaluated: 2022-06-27. Review status: criteria provided, single submitter. Criteria: Invitae Variant Classification Sherloc (09022015). Collection method: clinical testing. Allele origin: germline.
Comment: This sequence change replaces methionine, which is neutral and non-polar, with threonine, which is neutral and polar, at codon 769 of the XYLT1 protein (p.Met769Thr). In summary, the available evidence is currently insufficient to determine the role of this variant in disease. Therefore, it has been classified as a Variant of Uncertain Significance. Algorithms developed to predict the effect of missense changes on protein structure and function are either unavailable or do not agree on the potential impact of this missense change (SIFT: "Tolerated"; PolyPhen-2: "Possibly Damaging"; Align-GVGD: "Class C0"). ClinVar contains an entry for this variant (Variation ID: 1003187). This variant has not been reported in the literature in individuals affected with XYLT1-related conditions. This variant is not present in population databases (gnomAD no frequency).